The following is an entry in ClinVar:

NM_006420.3(ARFGEF2):c.2777G>A (p.Arg926Gln)

Gene: ARFGEF2 (ARF guanine nucleotide exchange factor 2; plus strand). Cytogenetic location: 20q13.13.
Variant type: single nucleotide variant.
Coding change: c.2777G>A on transcript NM_006420.3 (MANE Select); coding-DNA position 2777, G replaced by A.
Protein change: p.Arg926Gln; replaces arginine 926 with glutamine.
Molecular consequence: missense variant.
Genome position (GRCh38, 1-based): chr20:48,989,647, G>A. VCF-style: chr20-48989647-G-A. GRCh37 (hg19) VCF-style: chr20-47606184-G-A.
Other names: short protein forms R926Q.
Identifiers: ClinVar variation 380665 (VCV000380665.2), dbSNP rs763245062, ClinGen allele CA9898731.
Genomic context (GRCh38, chr20:48,989,647, plus strand): 5'-GCATCGGACTCCAGAACTGTGATGACACTGAAGTGGCCTCCTTGTGTTTGGAAGGCATCC[G>A]ATGTGCAATCCGAATCGCCTGCATCTTTGGAATGCAGGTAGGTGTAAGTCAGCAACACTC-3'
Protein context (NP_006411.2, residues 916-936): EVASLCLEGI[Arg926Gln]CAIRIACIFG

ClinVar aggregate classification (germline): Uncertain significance (1 of 4 stars; one submission).

Allele frequency attached by ClinVar (database versions not stated): ExAC 0.00002; gnomAD exomes 0.00002 and 0.00003; gnomAD 0.00003 and 0.00004; TOPMed 0.00004.
gnomAD v4.1: 27 of 1,614,124 alleles (0.0017%); highest among the groups gnomAD compares: African/African-American, 0.004%; no homozygotes.

Submission:

GeneDx
Classification: Uncertain significance. Last evaluated: 2016-06-20. Review status: criteria provided, single submitter. Criteria: GeneDx Variant Classification (06012015). Collection method: clinical testing. Allele origin: germline. Affected: yes.
Comment: A variant of uncertain significance has been identified in the ARFGEF2 gene. The R926Q variant has not been published as a pathogenic variant, nor has it been reported as a benign variant to our knowledge. It was not observed in approximately 6,500 individuals of European and African American ancestry in the NHLBI Exome Sequencing Project, indicating it is not a common benign variant in these populations. The R926Q variant is a semi-conservative amino acid substitution, which may impact secondary protein structure as these residues differ in some properties. This substitution occurs at a position that is conserved across species, and in silico analysis predicts this variant is probably damaging to the protein structure/function. However, missense variants in nearby residues have not been reported in Human Gene Mutation Database (Stenson et al., 2014). Based on the currently available information, it is unclear whether the R926Q variant is a pathogenic variant or a rare benign variant.